The following is an entry in ClinVar:

NM_000173.7(GP1BA):c.1311A>G (p.Pro437=)

Gene: GP1BA (glycoprotein Ib platelet subunit alpha; plus strand). Cytogenetic location: 17p13.2.
Variant type: single nucleotide variant.
Coding change: c.1311A>G on transcript NM_000173.7 (MANE Select); coding-DNA position 1311, A replaced by G.
Protein change: p.Pro437=; no amino-acid change (proline 437 retained).
Molecular consequence: synonymous variant.
Genome position (GRCh38, 1-based): chr17:4,933,915, A>G. VCF-style: chr17-4933915-A-G. GRCh37 (hg19) VCF-style: chr17-4837210-A-G.
Other names: NM_000173.7(GP1BA):c.1311A>G; p.Pro437=.
Identifiers: ClinVar variation 255467 (VCV000255467.15), dbSNP rs2586529, ClinGen allele CA8314972.

ClinVar aggregate classification (germline): Benign. Review status: reviewed by expert panel (3 of 4 stars). 9 submissions from 9 submitters: Benign (1). 8 of the submissions do not count toward it. Last evaluated 2025-02-11.

Conditions:
Inborn genetic diseases. Identifiers: MedGen C0950123, MeSH D030342.
Bernard Soulier syndrome (BSS). Also called: Platelet Glycoprotein 1b, Deficiency of; PLATELET GLYCOPROTEIN Ib DEFICIENCY; BLEEDING DISORDER, PLATELET-TYPE, 1; GLYCOPROTEIN Ib, PLATELET, DEFICIENCY OF; VON WILLEBRAND FACTOR RECEPTOR DEFICIENCY; Giant platelet syndrome. Identifiers: Orphanet 274, MedGen C0005129, MeSH D001606, MONDO:0009276, OMIM 231200.

Allele frequency attached by ClinVar (database versions not stated): ExAC 0.15348; gnomAD exomes 0.36929; gnomAD 0.62531 and 0.65526; 1000 Genomes Project 0.84225.

Submissions (9):

ClinGen Platelet Disorders Variant Curation Expert Panel, ClinGen
Classification: Benign for Bernard Soulier syndrome. Last evaluated: 2025-02-11. Review status: reviewed by expert panel. Criteria: ClinGen Platelet ACMG Specifications GP1BA V1.0.0. Collection method: curation. Allele origin: germline. Inheritance: Autosomal recessive inheritance.
Comment: The NM_000173.7(GP1BA):c.1311A>G (p.Pro437=) synonymous variant occurs at a Grpmax filtering allele frequency of 0.8560 (based 186885/217504 alleles in the European non-Finnish population) in gnomADv4.1, which is higher than the ClinGen PD VCEP threshold (>0.001) for BA1. In silico predictor spliceAI revealed that the synonymous mutation is not expected to impact splicing (delta score 0.00) and a PhyloP score of 0.011 shows that the nucleotide position is not highly conserved (BP4, BP7). In summary, this variant meets the criteria to be classified as Benign for autosomal recessive Bernard-Soulier syndrome based on the ACMG/AMP criteria applied, as specified by the ClinGen PD VCEP: BA1, BP4, BP7.

Women's Health and Genetics/Laboratory Corporation of America, LabCorp
Classification: Benign. Last evaluated: 2026-05-11. Review status: criteria provided, single submitter. Criteria: LabCorp Variant Classification Summary - May 2015. Collection method: clinical testing. Allele origin: germline. Not counted in ClinVar's aggregate classification.

Ambry Genetics
Classification: Likely benign for Inborn genetic diseases. Last evaluated: 2025-05-25. Review status: criteria provided, single submitter. Criteria: Ambry Variant Classification Scheme 2023. Collection method: clinical testing. Allele origin: germline. Not counted in ClinVar's aggregate classification.

Blueprint Genetics
Classification: Likely benign. Last evaluated: 2024-11-27. Review status: criteria provided, single submitter. Criteria: ACMG Guidelines, 2015. Collection method: clinical testing. Allele origin: germline. Not counted in ClinVar's aggregate classification.

Mayo Clinic Laboratories, Mayo Clinic
Classification: Benign. Last evaluated: 2022-09-29. Review status: criteria provided, single submitter. Criteria: ACMG Guidelines, 2015. Collection method: clinical testing. Allele origin: germline. Observed: 249 variant alleles. Not counted in ClinVar's aggregate classification.

GeneDx
Classification: Benign. Last evaluated: 2020-05-14. Review status: criteria provided, single submitter. Criteria: GeneDx Variant Classification Process June 2021. Collection method: clinical testing. Allele origin: germline. Affected: yes. Not counted in ClinVar's aggregate classification.

Genetic Services Laboratory, University of Chicago
Classification: Benign. Last evaluated: 2016-10-25. Review status: criteria provided, single submitter. Criteria: ACMG Guidelines, 2015. Collection method: clinical testing. Allele origin: germline. Affected: no. Not counted in ClinVar's aggregate classification.

Breakthrough Genomics
Classification: Benign. Review status: criteria provided, single submitter. Criteria: ACMG Guidelines, 2015. Collection method: not provided. Allele origin: germline. Inheritance: Autosomal recessive inheritance. Affected: yes. Not counted in ClinVar's aggregate classification.

PreventionGenetics, part of Exact Sciences
Classification: Benign. Review status: criteria provided, single submitter. Criteria: ACMG Guidelines, 2015. Collection method: clinical testing. Allele origin: germline. Not counted in ClinVar's aggregate classification.